The following is an entry in ClinVar:

NM_015450.3(POT1):c.1872T>G (p.Ile624Met)

Gene: POT1 (protection of telomeres 1; minus strand). Cytogenetic location: 7q31.33.
Variant type: single nucleotide variant.
Coding change: c.1872T>G on transcript NM_015450.3 (MANE Select); coding-DNA position 1872, T replaced by G.
Protein change: p.Ile624Met; replaces isoleucine 624 with methionine.
Molecular consequence: missense variant. On other transcripts: non-coding transcript variant (3).
Genome position (GRCh38, 1-based): chr7:124,823,995, A>C on the plus strand (T>G on the coding strand, the complement: POT1 is on the minus strand). VCF-style: chr7-124823995-A-C. GRCh37 (hg19) VCF-style: chr7-124464049-A-C.
Other names: c.1479T>G, p.Ile493Met (NM_001042594.2); short protein forms I493M, I624M.
Identifiers: ClinVar variation 1014999 (VCV001014999.14), dbSNP rs1794569508, ClinGen allele CA369061116.

ClinVar aggregate classification (germline): Uncertain significance. Review status: criteria provided, multiple submitters, no conflicts (2 of 4 stars). 2 submissions from 2 submitters: Uncertain significance (2). Last evaluated 2025-11-22.

Conditions:
Hereditary cancer-predisposing syndrome. Also called: Neoplastic Syndromes, Hereditary; Hereditary Cancer Syndrome; Hereditary neoplastic syndrome; Tumor predisposition. Identifiers: Orphanet 140162, MedGen C0027672, MeSH D009386, MONDO:0015356.
Tumor predisposition syndrome 3 (TPDS3). Also called: Glioma susceptibility 9; LONG TELOMERE SYNDROME, POT1-RELATED; POT1 Tumor Predisposition; Melanoma, cutaneous malignant, susceptibility to, 10. Identifiers: Orphanet 618, MedGen C4014476, MONDO:0014368, OMIM 615848.

Allele frequency attached by ClinVar (database versions not stated): gnomAD exomes 0.00001.
gnomAD v4.1: 12 of 1,604,004 alleles (0.00075%); highest among the groups gnomAD compares: African/African-American, 0.0013%; no homozygotes.

Submissions (2):

Labcorp Genetics (formerly Invitae), Labcorp
Classification: Uncertain significance for Tumor predisposition syndrome 3. Last evaluated: 2025-11-22. Review status: criteria provided, single submitter. Criteria: Invitae Variant Classification Sherloc (09022015). Collection method: clinical testing. Allele origin: germline.
Comment: This sequence change replaces isoleucine, which is neutral and non-polar, with methionine, which is neutral and non-polar, at codon 624 of the POT1 protein (p.Ile624Met). This variant is not present in population databases (gnomAD no frequency). This variant has not been reported in the literature in individuals affected with POT1-related conditions. ClinVar contains an entry for this variant (Variation ID: 1014999). Invitae Evidence Modeling of protein sequence and biophysical properties (such as structural, functional, and spatial information, amino acid conservation, physicochemical variation, residue mobility, and thermodynamic stability) indicates that this missense variant is not expected to disrupt POT1 protein function with a negative predictive value of 80%. In summary, the available evidence is currently insufficient to determine the role of this variant in disease. Therefore, it has been classified as a Variant of Uncertain Significance.

Ambry Genetics
Classification: Uncertain significance for Hereditary cancer-predisposing syndrome. Last evaluated: 2023-08-15. Review status: criteria provided, single submitter. Criteria: Ambry Variant Classification Scheme 2023. Collection method: clinical testing. Allele origin: germline.
Comment: The p.I624M variant (also known as c.1872T>G), located in coding exon 15 of the POT1 gene, results from a T to G substitution at nucleotide position 1872. The isoleucine at codon 624 is replaced by methionine, an amino acid with highly similar properties. This amino acid position is highly conserved in available vertebrate species. In addition, this alteration is predicted to be deleterious by in silico analysis. Since supporting evidence is limited at this time, the clinical significance of this alteration remains unclear.